The following is an entry in ClinVar:

ClinVar aggregate classification (germline): Uncertain significance (1 of 4 stars; one submission).

Conditions:
Immunodeficiency 19 (IMD19). Also called: CD3-DELTA DEFICIENCY; SEVERE COMBINED IMMUNODEFICIENCY, T CELL-NEGATIVE, B CELL-POSITIVE, NK CELL-POSITIVE; SCID, T CELL-NEGATIVE, B CELL-POSITIVE, NK CELL-POSITIVE; IMMUNODEFICIENCY 19, SEVERE COMBINED. Identifiers: MedGen C3810147, MONDO:0014280, OMIM 615617.

Allele frequency attached by ClinVar (database versions not stated): gnomAD 0.00002; gnomAD exomes 0.00002; TOPMed 0.00002; ExAC 0.00004.
gnomAD v4.1: 24 of 1,613,148 alleles (0.0015%); highest among the groups gnomAD compares: Non-Finnish European, 0.0019%; no homozygotes.

Submission:

Labcorp Genetics (formerly Invitae), Labcorp
Classification: Uncertain significance for Immunodeficiency 19. Last evaluated: 2021-09-24. Review status: criteria provided, single submitter. Criteria: Invitae Variant Classification Sherloc (09022015). Collection method: clinical testing. Allele origin: germline.
Comment: This sequence change replaces lysine with glutamine at codon 23 of the CD3D protein (p.Lys23Gln). The lysine residue is moderately conserved and there is a small physicochemical difference between lysine and glutamine. This variant is present in population databases (rs199969175, ExAC 0.01%). This variant has not been reported in the literature in individuals affected with CD3D-related conditions. Algorithms developed to predict the effect of missense changes on protein structure and function output the following: SIFT: "Tolerated"; PolyPhen-2: "Benign"; Align-GVGD: "Class C0". The glutamine amino acid residue is found in multiple mammalian species, which suggests that this missense change does not adversely affect protein function. In summary, the available evidence is currently insufficient to determine the role of this variant in disease. Therefore, it has been classified as a Variant of Uncertain Significance.

NM_000732.6(CD3D):c.67A>C (p.Lys23Gln)

Gene: CD3D (CD3 delta subunit of T-cell receptor complex; minus strand). Cytogenetic location: 11q23.3.
Variant type: single nucleotide variant.
Coding change: c.67A>C on transcript NM_000732.6 (MANE Select); coding-DNA position 67, A replaced by C.
Protein change: p.Lys23Gln; replaces lysine 23 with glutamine.
Molecular consequence: missense variant.
Genome position (GRCh38, 1-based): chr11:118,340,582, T>G on the plus strand (A>C on the coding strand, the complement: CD3D is on the minus strand). VCF-style: chr11-118340582-T-G. GRCh37 (hg19) VCF-style: chr11-118211297-T-G.
Other names: c.67A>C, p.Lys23Gln (NM_001040651.2); short protein forms K23Q.
Identifiers: ClinVar variation 1368266 (VCV001368266.5), dbSNP rs199969175, ClinGen allele CA6301994.